The following is an entry in ClinVar:

ClinVar aggregate classification (germline): Likely benign. Review status: criteria provided, multiple submitters, no conflicts (2 of 4 stars). 3 submissions from 3 submitters: Likely benign (2). 1 of the submissions does not count toward it. Last evaluated 2026-01-04.

Conditions:
Carnitine palmitoyltransferase II deficiency. Also called: Carnitine Palmitoyltransferase 2 Deficiency. Identifiers: Orphanet 157, MedGen C0342790, MONDO:0015515.

Allele frequency attached by ClinVar (database versions not stated): gnomAD exomes 0.00002 and 0.00003; ExAC 0.00003; 1000 Genomes Project 30x 0.00016; 1000 Genomes Project 0.00020; gnomAD 0.00001 and 0.00002; TOPMed 0.00001.

Submissions (3):

Labcorp Genetics (formerly Invitae), Labcorp
Classification: Likely benign for Carnitine palmitoyltransferase II deficiency. Last evaluated: 2026-01-04. Review status: criteria provided, single submitter. Criteria: Invitae Variant Classification Sherloc (09022015). Collection method: clinical testing. Allele origin: germline.

CeGaT Center for Human Genetics Tuebingen
Classification: Likely benign. Last evaluated: 2024-07-01. Review status: criteria provided, single submitter. Criteria: CeGaT Center For Human Genetics Tuebingen Variant Classification Criteria Version 2. Collection method: clinical testing. Allele origin: germline. Affected: yes. Observed: 1 variant allele.
Comment: CPT2: BP4, BP7

Natera, Inc.
Classification: Uncertain significance for Carnitine palmitoyltransferase II deficiency. Last evaluated: 2020-02-13. Review status: no assertion criteria provided. Collection method: clinical testing. Allele origin: germline. Not counted in ClinVar's aggregate classification.

NM_000098.3(CPT2):c.1536C>T (p.Cys512=)

Gene: CPT2 (carnitine palmitoyltransferase 2; plus strand). Cytogenetic location: 1p32.3.
Variant type: single nucleotide variant.
Coding change: c.1536C>T on transcript NM_000098.3 (MANE Select); coding-DNA position 1536, C replaced by T.
Protein change: p.Cys512=; no amino-acid change (cysteine 512 retained).
Molecular consequence: synonymous variant.
Genome position (GRCh38, 1-based): chr1:53,211,210, C>T. VCF-style: chr1-53211210-C-T. GRCh37 (hg19) VCF-style: chr1-53676882-C-T.
Other names: c.1536C>T, p.Cys512= (NM_001330589.2).
Identifiers: ClinVar variation 767305 (VCV000767305.29), dbSNP rs199573389, ClinGen allele CA859231.